The following is an entry in ClinVar:

ClinVar aggregate classification (germline): Uncertain significance. Review status: criteria provided, multiple submitters, no conflicts (2 of 4 stars). 6 submissions from 6 submitters: Uncertain significance (4). 2 of the submissions do not count toward it. Last evaluated 2025-04-16.

Conditions:
Usher syndrome type 1 (USH1). Also called: RETINITIS PIGMENTOSA AND CONGENITAL DEAFNESS. Identifiers: Orphanet 231169, Orphanet 886, MedGen C1568247, MONDO:0010168, OMIM 276900.
Autosomal recessive nonsyndromic hearing loss 2. Also called: NEUROSENSORY NONSYNDROMIC RECESSIVE DEAFNESS 2; DEAFNESS, AUTOSOMAL RECESSIVE 2. Identifiers: Orphanet 90636, MedGen C1838701, MONDO:0010807, OMIM 600060.
Usher syndrome type 1B (USH1B). Also called: Usher syndrome type IB. Identifiers: MedGen C1848638, MONDO:0700087.

Allele frequency attached by ClinVar (database versions not stated): ExAC 0.00002; gnomAD exomes 0.00003 and 0.00007; gnomAD 0.00004 and 0.00006; TOPMed 0.00005.

Submissions (6):

Labcorp Genetics (formerly Invitae), Labcorp
Classification: Uncertain significance. Last evaluated: 2025-04-16. Review status: criteria provided, single submitter. Criteria: Invitae Variant Classification Sherloc (09022015). Collection method: clinical testing. Allele origin: germline.
Comment: This sequence change replaces proline, which is neutral and non-polar, with leucine, which is neutral and non-polar, at codon 1615 of the MYO7A protein (p.Pro1615Leu). This variant is present in population databases (rs201321140, gnomAD 0.007%). This variant has not been reported in the literature in individuals affected with MYO7A-related conditions. ClinVar contains an entry for this variant (Variation ID: 229006). Invitae Evidence Modeling of protein sequence and biophysical properties (such as structural, functional, and spatial information, amino acid conservation, physicochemical variation, residue mobility, and thermodynamic stability) indicates that this missense variant is not expected to disrupt MYO7A protein function with a negative predictive value of 95%. In summary, the available evidence is currently insufficient to determine the role of this variant in disease. Therefore, it has been classified as a Variant of Uncertain Significance.

Blueprint Genetics
Classification: Uncertain significance. Last evaluated: 2024-09-10. Review status: criteria provided, single submitter. Criteria: ACMG Guidelines, 2015. Collection method: clinical testing. Allele origin: germline.

CeGaT Center for Human Genetics Tuebingen
Classification: Uncertain significance. Last evaluated: 2021-10-01. Review status: criteria provided, single submitter. Criteria: CeGaT Center For Human Genetics Tuebingen Variant Classification Criteria Version 2. Collection method: clinical testing. Allele origin: germline. Affected: yes. Observed: 1 variant allele.

Laboratory for Molecular Medicine, Mass General Brigham Personalized Medicine
Classification: Uncertain significance. Last evaluated: 2015-02-03. Review status: criteria provided, single submitter. Criteria: LMM Criteria. Collection method: clinical testing. Allele origin: germline. Observed: 1 variant allele.
Comment: The p.Pro1615Leu variant in MYO7A has not been previously reported in individual s with hearing loss, but has been identified in 2/62452 European chromosomes by the Exome Aggregation Consortium (ExAC; dbSNP rs 201321140). Computational prediction tools and conservation analyses suggest the variant may not impact the protein, though this information is not predictive e nough to rule out pathogenicity. In summary, the clinical significance of the p .Pro1615Leu variant is uncertain.

Natera, Inc.
Classification: Uncertain significance for Usher syndrome type 1B. Last evaluated: 2020-02-21. Review status: no assertion criteria provided. Collection method: clinical testing. Allele origin: germline. Not counted in ClinVar's aggregate classification.

Counsyl
Classification: Uncertain significance for Usher syndrome type 1; Autosomal recessive nonsyndromic hearing loss 2. Last evaluated: 2017-06-09. Review status: no assertion criteria provided. Collection method: clinical testing. Allele origin: unknown. Not counted in ClinVar's aggregate classification.

NM_000260.4(MYO7A):c.4844C>T (p.Pro1615Leu)

Gene: MYO7A (myosin VIIA; plus strand). Cytogenetic location: 11q13.5.
Variant type: single nucleotide variant.
Coding change: c.4844C>T on transcript NM_000260.4 (MANE Select); coding-DNA position 4844, C replaced by T.
Protein change: p.Pro1615Leu; replaces proline 1615 with leucine.
Molecular consequence: missense variant.
Genome position (GRCh38, 1-based): chr11:77,199,810, C>T. VCF-style: chr11-77199810-C-T. GRCh37 (hg19) VCF-style: chr11-76910855-C-T.
Other names: c.4730C>T, p.Pro1577Leu (NM_001127180.2); c.4697C>T, p.Pro1566Leu (NM_001369365.1); short protein forms P1615L, P1566L, P1577L.
Identifiers: ClinVar variation 229006 (VCV000229006.46), dbSNP rs201321140, ClinGen allele CA6198550.